The following is an entry in ClinVar:

ClinVar aggregate classification (germline): Benign/Likely benign. Review status: criteria provided, multiple submitters, no conflicts (2 of 4 stars). 4 submissions from 4 submitters: Benign (1); Likely benign (1). 2 of the submissions do not count toward it. Last evaluated 2024-09-23.

Conditions:
Occult macular dystrophy (OCMD). Also called: OCCULT MACULAR DYSTROPHY, SUSCEPTIBILITY TO; OMD. Identifiers: Orphanet 247834, MedGen C3150833, MONDO:0013316, OMIM 613587, HP:0030636.

Allele frequency attached by ClinVar (database versions not stated): gnomAD 0.00040; TOPMed 0.00041; 1000 Genomes Project 30x 0.00047; ExAC 0.00206.
gnomAD v4.1: 976 of 1,580,142 alleles (0.062%); highest among the groups gnomAD compares: Non-Finnish European, 0.073%; 1 homozygote.

Submissions (4):

Blueprint Genetics
Classification: Likely benign. Last evaluated: 2024-09-23. Review status: criteria provided, single submitter. Criteria: ACMG Guidelines, 2015. Collection method: clinical testing. Allele origin: germline.

Illumina Laboratory Services, Illumina
Classification: Benign for Occult macular dystrophy. Last evaluated: 2018-01-13. Review status: criteria provided, single submitter. Criteria: ICSL Variant Classification Criteria 13 December 2019. Collection method: clinical testing. Allele origin: germline.
Comment: This variant was observed in the ICSL laboratory as part of a predisposition screen in an ostensibly healthy population. It had not been previously curated by ICSL or reported in the Human Gene Mutation Database (HGMD: prior to June 1st, 2018), and was therefore a candidate for classification through an automated scoring system. Utilizing variant allele frequency, disease prevalence and penetrance estimates, and inheritance mode, an automated score was calculated to assess if this variant is too frequent to cause the disease. Based on the score and internal cut-off values, a variant classified as benign is not then subjected to further curation. The score for this variant resulted in a classification of benign for this disease.

Clinical Genetics DNA and cytogenetics Diagnostics Lab, Erasmus MC, Erasmus Medical Center
Classification: Likely benign. Review status: no assertion criteria provided. Collection method: clinical testing. Allele origin: germline. Affected: yes. Study: VKGL Data-share Consensus. Not counted in ClinVar's aggregate classification.

Clinical Genetics, Academic Medical Center
Classification: Benign. Review status: no assertion criteria provided. Collection method: clinical testing. Allele origin: germline. Affected: yes. Study: VKGL Data-share Consensus. Not counted in ClinVar's aggregate classification.

NM_178857.6(RP1L1):c.2583C>T (p.Pro861=)

Gene: RP1L1 (RP1 like 1). Cytogenetic location: 8p23.1.
Variant type: single nucleotide variant.
Coding change: c.2583C>T on transcript NM_178857.6 (MANE Select); coding-DNA position 2583, C replaced by T.
Protein change: p.Pro861=; no amino-acid change (proline 861 retained).
Molecular consequence: synonymous variant.
Genome position (GRCh38, 1-based): chr8:10,611,515, G>A on the plus strand (C>T on the coding strand, the complement: RP1L1 is on the minus strand). VCF-style: chr8-10611515-G-A. GRCh37 (hg19) VCF-style: chr8-10469025-G-A.
Identifiers: ClinVar variation 908553 (VCV000908553.8), dbSNP rs191393277, ClinGen allele CA4624778.
Genomic context (GRCh38, chr8:10,611,515, plus strand): 5'-GGCAGTGCTTTGGTGGCTGCTGCCGGTGCTCCCACAGCTGGAAGAGCGCCTCTGGGGGCA[G>A]GGCCGCCCCCTGGGCGGGGTGGGACAGTACCTGCCACACAGCCAGCTAGCCTCAGGGGAG-3'
Protein context (NP_849188.4, residues 851-871): RYCPTPPRGR[Pro861=]CPQRRSSSCG